The following is an entry in ClinVar:

ClinVar aggregate classification (germline): Uncertain significance (1 of 4 stars; one submission).

Allele frequency attached by ClinVar (database versions not stated): gnomAD exomes below 0.00001.
gnomAD v4.1: 1 of 1,607,586 alleles (0.000062%); highest among the groups gnomAD compares: Non-Finnish European, 0.000085%; no homozygotes.

Submission:

CeGaT Center for Human Genetics Tuebingen
Classification: Uncertain significance. Last evaluated: 2023-07-01. Review status: criteria provided, single submitter. Criteria: CeGaT Center For Human Genetics Tuebingen Variant Classification Criteria Version 2. Collection method: clinical testing. Allele origin: germline. Affected: yes. Observed: 1 variant allele.
Comment: DPY19L2: PM2

NM_173812.5(DPY19L2):c.1414A>T (p.Thr472Ser)

Gene: DPY19L2 (dpy-19 like 2; minus strand). Cytogenetic location: 12q14.2.
Variant type: single nucleotide variant.
Coding change: c.1414A>T on transcript NM_173812.5 (MANE Select); coding-DNA position 1414, A replaced by T.
Protein change: p.Thr472Ser; replaces threonine 472 with serine.
Molecular consequence: missense variant.
Genome position (GRCh38, 1-based): chr12:63,597,856, T>A on the plus strand (A>T on the coding strand, the complement: DPY19L2 is on the minus strand). VCF-style: chr12-63597856-T-A. GRCh37 (hg19) VCF-style: chr12-63991636-T-A.
Other names: short protein forms T472S.
Identifiers: ClinVar variation 2578685 (VCV002578685.25), dbSNP rs2499412321, ClinGen allele CA385580863.